The following is an entry in ClinVar:

NM_000138.5(FBN1):c.4473C>G (p.Cys1491Trp)

Gene: FBN1 (fibrillin 1; minus strand). Cytogenetic location: 15q21.1.
Variant type: single nucleotide variant.
Coding change: c.4473C>G on transcript NM_000138.5 (MANE Select); coding-DNA position 4473, C replaced by G.
Protein change: p.Cys1491Trp; replaces cysteine 1491 with tryptophan.
Molecular consequence: missense variant.
Genome position (GRCh38, 1-based): chr15:48,468,521, G>C on the plus strand (C>G on the coding strand, the complement: FBN1 is on the minus strand). VCF-style: chr15-48468521-G-C. GRCh37 (hg19) VCF-style: chr15-48760718-G-C.
Other names: short protein forms C1491W.
Identifiers: ClinVar variation 953342 (VCV000953342.9), dbSNP rs2043341787, ClinGen allele CA392353804.
Genomic context (GRCh38, chr15:48,468,521, plus strand): 5'-ACAGATATAGCTGCCTGGAGTGTTGACACAGTTCCCACTGATGCACGTGGTTGGATCCAG[G>C]CATTCATTCACATCTAAAACCGAACAGTGAGTAGTGGAGTTATCACCTGAGCCAGTGTAG-3'
Protein context (NP_000129.3, residues 1481-1501): SGGNCTDVNE[Cys1491Trp]LDPTTCISGN

ClinVar aggregate classification (germline): Pathogenic (1 of 4 stars; one submission).

Conditions:
Marfan syndrome (MFS). Also called: FBN1-Related Marfan Syndrome; MARFAN SYNDROME, TYPE I; Marfan syndrome type 1; Marfan's syndrome; Marfan syndrome, classic. Identifiers: Orphanet 284963, Orphanet 558, MedGen C0024796, MONDO:0007947, OMIM 154700.
Familial thoracic aortic aneurysm and aortic dissection (TAAD). Also called: Thoracic aortic aneurysms and dissections. Identifiers: Orphanet 91387, MedGen C4707243, MONDO:0019625.

Submission:

Labcorp Genetics (formerly Invitae), Labcorp
Classification: Pathogenic for Marfan syndrome; Familial thoracic aortic aneurysm and aortic dissection. Last evaluated: 2019-08-01. Review status: criteria provided, single submitter. Criteria: Invitae Variant Classification Sherloc (09022015). Collection method: clinical testing. Allele origin: germline.
Comment: Algorithms developed to predict the effect of missense changes on protein structure and function (SIFT, PolyPhen-2, Align-GVGD) all suggest that this variant is likely to be disruptive, but these predictions have not been confirmed by published functional studies and their clinical significance is uncertain. This variant is not present in population databases (ExAC no frequency). This sequence change replaces cysteine with tryptophan at codon 1491 of the FBN1 protein (p.Cys1491Trp). The cysteine residue is highly conserved and there is a large physicochemical difference between cysteine and tryptophan. This variant disrupts the p.Cys1491 amino acid residue in FBN1. Other variant(s) that disrupt this residue have been observed in individuals with FBN1-related conditions (PMID: 19159394, 22005308), which suggests that this may be a clinically significant amino acid residue. This variant affects a cysteine residue in the EGF-like, TGFBP or hybrid motif domains of FBN1. Cysteine residues are believed to be involved in intramolecular disulfide bridges and have been shown to be important for FBN1 protein structure (PMID: 16905551, 19349279). In addition, missense substitutions affecting cysteine residues within these domains are significantly overrepresented among patients with Marfan syndrome (PMID: 16571647, 17701892). For these reasons, this variant has been classified as Pathogenic.

Literature cited by the submitters: PubMed 19159394; PubMed 22005308; PubMed 16905551; PubMed 19349279; PubMed 16571647; PubMed 17701892.